The following is an entry in ClinVar:

ClinVar aggregate classification (germline): Uncertain significance (1 of 4 stars; one submission).

Submission:

Ambry Genetics
Classification: Uncertain significance. Last evaluated: 2024-09-19. Review status: criteria provided, single submitter. Criteria: Ambry Variant Classification Scheme 2023. Collection method: clinical testing. Allele origin: germline.
Comment: The p.K308E variant (also known as c.922A>G), located in coding exon 9 of the FAM175A gene, results from an A to G substitution at nucleotide position 922. The lysine at codon 308 is replaced by glutamic acid, an amino acid with similar properties. This amino acid position is conserved. In addition, this alteration is predicted to be tolerated by in silico analysis. Since supporting evidence is limited at this time, the clinical significance of this alteration remains unclear.

NM_139076.3(ABRAXAS1):c.922A>G (p.Lys308Glu)

Gene: ABRAXAS1 (abraxas 1, BRCA1 A complex subunit; minus strand). Cytogenetic location: 4q21.23.
Variant type: single nucleotide variant.
Coding change: c.922A>G on transcript NM_139076.3 (MANE Select); coding-DNA position 922, A replaced by G.
Protein change: p.Lys308Glu; replaces lysine 308 with glutamic acid.
Molecular consequence: missense variant.
Genome position (GRCh38, 1-based): chr4:83,462,777, T>C on the plus strand (A>G on the coding strand, the complement: ABRAXAS1 is on the minus strand). VCF-style: chr4-83462777-T-C. GRCh37 (hg19) VCF-style: chr4-84383930-T-C.
Other names: c.595A>G, p.Lys199Glu (NM_001345962.2); short protein forms K199E, K308E.
Identifiers: ClinVar variation 1800090 (VCV001800090.3), dbSNP rs2529419081, ClinGen allele CA357256135.